The following is an entry in ClinVar:

NM_004360.5(CDH1):c.56C>T (p.Ser19Phe)

Gene: CDH1 (cadherin 1; plus strand). Cytogenetic location: 16q22.1.
Variant type: single nucleotide variant.
Coding change: c.56C>T on transcript NM_004360.5 (MANE Select); coding-DNA position 56, C replaced by T.
Protein change: p.Ser19Phe; replaces serine 19 with phenylalanine.
Molecular consequence: missense variant. On other transcripts: 5 prime UTR variant (2).
Genome position (GRCh38, 1-based): chr16:68,738,304, C>T. VCF-style: chr16-68738304-C-T. GRCh37 (hg19) VCF-style: chr16-68772207-C-T.
Other names: c.-1764C>T (NM_001317186.2); c.56C>T, p.Ser19Phe (NM_001317184.2); c.-1560C>T (NM_001317185.2); short protein forms S19F.
Identifiers: ClinVar variation 825908 (VCV000825908.15), dbSNP rs1221633501, ClinGen allele CA396451618.

ClinVar aggregate classification (germline): Uncertain significance. Review status: criteria provided, multiple submitters, no conflicts (2 of 4 stars). 2 submissions from 2 submitters: Uncertain significance (2). Last evaluated 2024-05-10.

Conditions:
Hereditary diffuse gastric adenocarcinoma (HDGC). Also called: DIFFUSE GASTRIC AND LOBULAR BREAST CANCER SYNDROME. Identifiers: Orphanet 26106, MedGen C1708349, MONDO:0007648, OMIM 137215.
Hereditary cancer-predisposing syndrome. Also called: Neoplastic Syndromes, Hereditary; Hereditary Cancer Syndrome; Hereditary neoplastic syndrome; Tumor predisposition. Identifiers: Orphanet 140162, MedGen C0027672, MeSH D009386, MONDO:0015356.

Submissions (2):

Ambry Genetics
Classification: Uncertain significance for Hereditary cancer-predisposing syndrome. Last evaluated: 2024-05-10. Review status: criteria provided, single submitter. Criteria: Ambry Variant Classification Scheme 2023. Collection method: clinical testing. Allele origin: germline.
Comment: The p.S19F variant (also known as c.56C>T), located in coding exon 2 of the CDH1 gene, results from a C to T substitution at nucleotide position 56. The serine at codon 19 is replaced by phenylalanine, an amino acid with highly dissimilar properties. This amino acid position is not well conserved in available vertebrate species. In addition, this alteration is predicted to be tolerated by in silico analysis. Based on the available evidence, the clinical significance of this variant remains unclear.

Labcorp Genetics (formerly Invitae), Labcorp
Classification: Uncertain significance for Hereditary diffuse gastric adenocarcinoma. Last evaluated: 2019-09-26. Review status: criteria provided, single submitter. Criteria: Invitae Variant Classification Sherloc (09022015). Collection method: clinical testing. Allele origin: germline.
Comment: In summary, the available evidence is currently insufficient to determine the role of this variant in disease. Therefore, it has been classified as a Variant of Uncertain Significance. Algorithms developed to predict the effect of missense changes on protein structure and function are either unavailable or do not agree on the potential impact of this missense change (SIFT: "Deleterious"; PolyPhen-2: "Benign"; Align-GVGD: "Class C0"). This variant has not been reported in the literature in individuals with CDH1-related conditions. This variant is not present in population databases (ExAC no frequency). This sequence change replaces serine with phenylalanine at codon 19 of the CDH1 protein (p.Ser19Phe). The serine residue is moderately conserved and there is a large physicochemical difference between serine and phenylalanine.